The following is an entry in ClinVar:

ClinVar aggregate classification (germline): Benign/Likely benign. Review status: criteria provided, multiple submitters, no conflicts (2 of 4 stars). 4 submissions from 4 submitters: Benign (2); Likely benign (2). Last evaluated 2026-01-21.

Conditions:
RASopathy. Also called: rasopathies; Noonan spectrum disorder. Identifiers: Orphanet 536391, MedGen C5555857, MONDO:0021060.

Allele frequency attached by ClinVar (database versions not stated): gnomAD 0.00004 and 0.00005; ESP Exome Variant Server 0.00008; gnomAD exomes 0.00010 and 0.00019; ExAC 0.00041; TOPMed 0.00005.

Submissions (4):

Labcorp Genetics (formerly Invitae), Labcorp
Classification: Benign for RASopathy. Last evaluated: 2026-01-21. Review status: criteria provided, single submitter. Criteria: Invitae Variant Classification Sherloc (09022015). Collection method: clinical testing. Allele origin: germline.

Blueprint Genetics
Classification: Likely benign. Last evaluated: 2024-08-13. Review status: criteria provided, single submitter. Criteria: ACMG Guidelines, 2015. Collection method: clinical testing. Allele origin: germline.

Women's Health and Genetics/Laboratory Corporation of America, LabCorp
Classification: Benign. Last evaluated: 2021-10-09. Review status: criteria provided, single submitter. Criteria: LabCorp Variant Classification Summary - May 2015. Collection method: clinical testing. Allele origin: germline.

GeneDx
Classification: Likely benign. Last evaluated: 2016-12-09. Review status: criteria provided, single submitter. Criteria: GeneDx Variant Classification (06012015). Collection method: clinical testing. Allele origin: germline. Affected: yes.
Comment: This variant is considered likely benign or benign based on one or more of the following criteria: it is a conservative change, it occurs at a poorly conserved position in the protein, it is predicted to be benign by multiple in silico algorithms, and/or has population frequency not consistent with disease.

NM_030662.4(MAP2K2):c.528+11C>T

Gene: MAP2K2 (mitogen-activated protein kinase kinase 2; minus strand). Cytogenetic location: 19p13.3.
Variant type: single nucleotide variant.
Coding change: c.528+11C>T on transcript NM_030662.4 (MANE Select); 11 bases into the intron after coding-DNA position 528, C replaced by T.
Molecular consequence: intron variant.
Genome position (GRCh38, 1-based): chr19:4,102,365, G>A on the plus strand (C>T on the coding strand, the complement: MAP2K2 is on the minus strand). VCF-style: chr19-4102365-G-A. GRCh37 (hg19) VCF-style: chr19-4102363-G-A.
Identifiers: ClinVar variation 378106 (VCV000378106.10), dbSNP rs369913089, ClinGen allele CA9090943.